The following is an entry in ClinVar:

NM_014000.3(VCL):c.1176+13A>G

Gene: VCL (vinculin; plus strand). Cytogenetic location: 10q22.2.
Variant type: single nucleotide variant.
Coding change: c.1176+13A>G on transcript NM_014000.3 (MANE Select); 13 bases into the intron after coding-DNA position 1176, A replaced by G.
Molecular consequence: intron variant.
Genome position (GRCh38, 1-based): chr10:74,089,362, A>G. VCF-style: chr10-74089362-A-G. GRCh37 (hg19) VCF-style: chr10-75849120-A-G.
Other names: c.1176+13A>G (NM_003373.4).
Identifiers: ClinVar variation 517777 (VCV000517777.10), dbSNP rs758133739, ClinGen allele CA5562936.
Genomic context (GRCh38, chr10:74,089,362, plus strand): 5'-ATGACCAACTCAAAGCAGAGCATTGCAAAGAAGATCGATGCTGCTCAGGTAGTCACAGTG[A>G]TTTTCAGGAGGGGTGGGAAATATTTCATAAATATCCTAAGTCATAAATATCCTATCTTTC-3'

ClinVar aggregate classification (germline): Likely benign. Review status: criteria provided, multiple submitters, no conflicts (2 of 4 stars). 4 submissions from 4 submitters: Likely benign (4). Last evaluated 2026-04-27.

Conditions:
Dilated cardiomyopathy 1W (CMD1W). Identifiers: Orphanet 154, MedGen C1969639, MONDO:0012667, OMIM 611407.

Allele frequency attached by ClinVar (database versions not stated): ExAC 0.00002; gnomAD exomes 0.00003 and 0.00005; TOPMed 0.00004; gnomAD 0.00007.
gnomAD v4.1: 74 of 1,612,522 alleles (0.0046%); highest among the groups gnomAD compares: Non-Finnish European, 0.0059%; no homozygotes.

Submissions (4):

Women's Health and Genetics/Laboratory Corporation of America, LabCorp
Classification: Likely benign. Last evaluated: 2026-04-27. Review status: criteria provided, single submitter. Criteria: LabCorp Variant Classification Summary - May 2015. Collection method: clinical testing. Allele origin: germline.

Labcorp Genetics (formerly Invitae), Labcorp
Classification: Likely benign for Dilated cardiomyopathy 1W. Last evaluated: 2026-01-10. Review status: criteria provided, single submitter. Criteria: Invitae Variant Classification Sherloc (09022015). Collection method: clinical testing. Allele origin: germline.

Blueprint Genetics
Classification: Likely benign. Last evaluated: 2024-04-24. Review status: criteria provided, single submitter. Criteria: ACMG Guidelines, 2015. Collection method: clinical testing. Allele origin: germline.

GeneDx
Classification: Likely benign. Last evaluated: 2017-03-08. Review status: criteria provided, single submitter. Criteria: GeneDx Variant Classification (06012015). Collection method: clinical testing. Allele origin: germline. Affected: yes.
Comment: This variant is considered likely benign or benign based on one or more of the following criteria: it is a conservative change, it occurs at a poorly conserved position in the protein, it is predicted to be benign by multiple in silico algorithms, and/or has population frequency not consistent with disease.